The following is an entry in ClinVar:

NM_000038.6(APC):c.4444C>A (p.Leu1482Ile)

Gene: APC (APC regulator of Wnt signaling pathway; plus strand). Cytogenetic location: 5q22.2.
Variant type: single nucleotide variant.
Coding change: c.4444C>A on transcript NM_000038.6 (MANE Select); coding-DNA position 4444, C replaced by A.
Protein change: p.Leu1482Ile; replaces leucine 1482 with isoleucine.
Molecular consequence: missense variant. On other transcripts: non-coding transcript variant (2).
Genome position (GRCh38, 1-based): chr5:112,840,038, C>A. VCF-style: chr5-112840038-C-A. GRCh37 (hg19) VCF-style: chr5-112175735-C-A.
Other names: c.4444C>A, p.Leu1482Ile (NM_001127510.3, NM_001354895.2, NM_001407450.1); c.4390C>A, p.Leu1464Ile (NM_001127511.3); c.4498C>A, p.Leu1500Ile (NM_001354896.2, NM_001407447.1, NM_001407448.1 and 1 more transcripts); c.4474C>A, p.Leu1492Ile (NM_001354897.2); c.4369C>A, p.Leu1457Ile (NM_001354898.2); c.4360C>A, p.Leu1454Ile (NM_001354899.2); c.4321C>A, p.Leu1441Ile (NM_001354900.2); c.4267C>A, p.Leu1423Ile (NM_001354901.2, NM_001407453.1); and 11 more; short protein forms L1098I, L1199I, L1322I, L1353I, L1356I, L1381I, L1391I, L1399I.
Identifiers: ClinVar variation 3386681 (VCV003386681.3).

ClinVar aggregate classification (germline): Uncertain significance. Review status: criteria provided, multiple submitters, no conflicts (2 of 4 stars). 3 submissions from 3 submitters: Uncertain significance (3). Last evaluated 2025-08-18.

Conditions:
Hereditary cancer-predisposing syndrome. Also called: Neoplastic Syndromes, Hereditary; Hereditary Cancer Syndrome; Tumor predisposition; Hereditary neoplastic syndrome. Identifiers: Orphanet 140162, MedGen C0027672, MeSH D009386, MONDO:0015356.
Familial adenomatous polyposis 1 (FAP1). Also called: FAMILIAL ADENOMATOUS POLYPOSIS 1, ATTENUATED; POLYPOSIS, ADENOMATOUS INTESTINAL. Identifiers: MedGen C2713442, MONDO:0021056, OMIM 175100. Disease mechanism: loss of function.
Classic or attenuated familial adenomatous polyposis. Identifiers: MedGen CN372698, MONDO:0021057.

Submissions (3):

Labcorp Genetics (formerly Invitae), Labcorp
Classification: Uncertain significance for Familial adenomatous polyposis 1. Last evaluated: 2025-08-18. Review status: criteria provided, single submitter. Criteria: Invitae Variant Classification Sherloc (09022015). Collection method: clinical testing. Allele origin: germline.
Comment: This sequence change replaces leucine, which is neutral and non-polar, with isoleucine, which is neutral and non-polar, at codon 1482 of the APC protein (p.Leu1482Ile). This variant is not present in population databases (gnomAD no frequency). This variant has not been reported in the literature in individuals affected with APC-related conditions. ClinVar contains an entry for this variant (Variation ID: 3386681). Invitae Evidence Modeling of protein sequence and biophysical properties (such as structural, functional, and spatial information, amino acid conservation, physicochemical variation, residue mobility, and thermodynamic stability) indicates that this missense variant is not expected to disrupt APC protein function with a negative predictive value of 95%. In summary, the available evidence is currently insufficient to determine the role of this variant in disease. Therefore, it has been classified as a Variant of Uncertain Significance.

Color Diagnostics, LLC DBA Color Health
Classification: Uncertain significance for Hereditary cancer-predisposing syndrome. Last evaluated: 2024-06-13. Review status: criteria provided, single submitter. Criteria: ACMG Guidelines, 2015. Collection method: clinical testing. Allele origin: germline.
Comment: This missense variant replaces leucine with isoleucine at codon 1482 of the APC protein. Computational prediction suggests that this variant may not impact protein structure and function (internally defined REVEL score threshold <= 0.5, PMID: 27666373). To our knowledge, functional studies have not been reported for this variant. This variant has not been reported in individuals affected with APC-related disorders in the literature. This variant has not been identified in the general population by the Genome Aggregation Database (gnomAD). The available evidence is insufficient to determine the role of this variant in disease conclusively. Therefore, this variant is classified as a Variant of Uncertain Significance.

All of Us Research Program, National Institutes of Health
Classification: Uncertain significance for Classic or attenuated familial adenomatous polyposis. Last evaluated: 2024-03-05. Review status: criteria provided, single submitter. Criteria: ACMG Guidelines, 2015. Collection method: clinical testing. Allele origin: germline. Inheritance: Autosomal dominant inheritance. Observed: 1 variant allele, 1 heterozygote.
Comment: This study involves interpretation of variants in research participants for the purpose of population health screening. Participant phenotype was not available at the time of variant classification. Additional details can be found in publication PMID: 35346344, PMCID: PMC8962531